The following is an entry in ClinVar:

ClinVar aggregate classification (germline): Likely benign (1 of 4 stars; one submission).

gnomAD v4.1: 12 of 1,614,040 alleles (0.00074%); highest among the groups gnomAD compares: Non-Finnish European, 0.00093%; no homozygotes.

Submission:

CeGaT Center for Human Genetics Tuebingen
Classification: Likely benign. Last evaluated: 2024-10-01. Review status: criteria provided, single submitter. Criteria: CeGaT Center For Human Genetics Tuebingen Variant Classification Criteria Version 2. Collection method: clinical testing. Allele origin: germline. Affected: yes. Observed: 1 variant allele.
Comment: SPEN: BP4, BS1

NM_015001.3(SPEN):c.5158G>A (p.Glu1720Lys)

Gene: SPEN (spen family transcriptional repressor; plus strand). Cytogenetic location: 1p36.13.
Variant type: single nucleotide variant.
Coding change: c.5158G>A on transcript NM_015001.3 (MANE Select); coding-DNA position 5158, G replaced by A.
Protein change: p.Glu1720Lys; replaces glutamic acid 1720 with lysine.
Molecular consequence: missense variant.
Genome position (GRCh38, 1-based): chr1:15,931,398, G>A. VCF-style: chr1-15931398-G-A. GRCh37 (hg19) VCF-style: chr1-16257893-G-A.
Other names: short protein forms E1720K.
Identifiers: ClinVar variation 3389064 (VCV003389064.14).